The following is an entry in ClinVar:

NM_000255.4(MMUT):c.1630_1631delinsTA (p.Gly544Ter)

Gene: MMUT (methylmalonyl-CoA mutase; minus strand). Cytogenetic location: 6p12.3.
Variant type: Indel.
Coding change: c.1630_1631delinsTA on transcript NM_000255.4 (MANE Select); coding-DNA positions 1630 to 1631, GG replaced by TA.
Protein change: p.Gly544Ter; replaces glycine 544 with a stop codon.
Molecular consequence: nonsense.
Genome position (GRCh38, 1-based): chr6:49,444,684-49,444,685, CC replaced by TA on the plus strand (GG replaced by TA on the coding strand, the reverse complement: MMUT is on the minus strand). VCF-style: chr6-49444684-CC-TA. GRCh37 (hg19) VCF-style: chr6-49412397-CC-TA.
Other names: p.G544X:GGA>TAA; short protein forms G544*.
Identifiers: ClinVar variation 203860 (VCV000203860.10), dbSNP rs796052008, ClinGen allele CA312786.

ClinVar aggregate classification (germline): Pathogenic. Review status: criteria provided, multiple submitters, no conflicts (2 of 4 stars). 4 submissions from 4 submitters: Pathogenic (4). Last evaluated 2026-01-28.

Conditions:
Methylmalonic aciduria due to complete methylmalonyl-CoA mutase deficiency.
Methylmalonic acidemia (MMA). Also called: Isolated Methylmalonic Acidemia. Identifiers: MedGen C0268583, MeSH C537358, MONDO:0002012, HP:0002912.

Submissions (4):

Labcorp Genetics (formerly Invitae), Labcorp
Classification: Pathogenic. Last evaluated: 2026-01-28. Review status: criteria provided, single submitter. Criteria: Invitae Variant Classification Sherloc (09022015). Collection method: clinical testing. Allele origin: germline.
Comment: This sequence change creates a premature translational stop signal (p.Gly544*) in the MUT gene. It is expected to result in an absent or disrupted protein product. Loss-of-function variants in MUT are known to be pathogenic (PMID: 15781192). This variant is present in population databases (rs796052008, gnomAD 0.0008%). This premature translational stop signal has been observed in individual(s) with methylmalonic aciduria (PMID: 12948746, 26483233). In at least one individual the data is consistent with being in trans (on the opposite chromosome) from a pathogenic variant. ClinVar contains an entry for this variant (Variation ID: 203860). For these reasons, this variant has been classified as Pathogenic.

Natera, Inc.
Classification: Pathogenic for Methylmalonic aciduria due to complete methylmalonyl-CoA mutase deficiency. Last evaluated: 2024-11-08. Review status: criteria provided, single submitter. Criteria: Natera Variant Classification Schema (03/2026). Collection method: clinical testing. Allele origin: germline.
Comment: The c.1630_1631delGGinsTA variant in MMUT is a deletion-insertion (delins) variant predicted to replace one or more nucleotides with a different sequence. This variant is expected to result in nonsense mediated decay, truncation, or a dysfunctional protein product. This variant is rare in the general population with a frequency below the threshold expected for the associated phenotype(s). This variant has been observed in one or more individuals affected with the associated recessive disease, as either homozygous or compound heterozygous with a second variant (PMID: 16281286). Given the available evidence, this variant is classified as Pathogenic.

Women's Health and Genetics/Laboratory Corporation of America, LabCorp
Classification: Pathogenic for Methylmalonic acidemia. Last evaluated: 2021-01-11. Review status: criteria provided, single submitter. Criteria: LabCorp Variant Classification Summary - May 2015. Collection method: clinical testing. Allele origin: germline.
Comment: Variant summary: MUT c.1630_1631delinsTA (p.Gly544X) results in a premature termination codon, predicted to cause a truncation of the encoded protein or absence of the protein due to nonsense mediated decay, which are commonly known mechanisms for disease. Truncations downstream of this position have been classified as pathogenic by our laboratory. The variant was absent in 251140 control chromosomes (gnomAD). c.1630_1631delinsTA has been reported in the literature in multiple individuals affected with Methylmalonic Acidemia (Champattanachai_2003, Liu_2012, Kang_2019). These data indicate that the variant is very likely to be associated with disease. At least one functional study reports experimental evidence evaluating an impact on protein function and this variant had no MCM activity (Champattanachai_2003). Two ClinVar submitters (evaluation after 2014) cite the variant as pathogenic. Based on the evidence outlined above, the variant was classified as pathogenic.

GeneDx
Classification: Pathogenic. Last evaluated: 2017-03-21. Review status: criteria provided, single submitter. Criteria: GeneDx Variant Classification (06012015). Collection method: clinical testing. Allele origin: germline. Affected: yes.
Comment: The c.1630_1631delinsTA, phase tested in cis, results in a G544X nonsense change, which is predicted to cause loss of normal protein function either through protein truncation or nonsense-mediated mRNA decay. The normal sequence shown with the deleted and inserted bases in brackets is: CTAGC[delGGinsTA]AGATGG. Although this variant has not been reported previously to our knowledge, it is considered pathogenic. The variant is found in MUT panel(s).

Literature cited by the submitters: PubMed 15781192 (cited by Labcorp Genetics (formerly Invitae), Labcorp); PubMed 12948746 (cited by Labcorp Genetics (formerly Invitae), Labcorp and Women's Health and Genetics/Laboratory Corporation of America, LabCorp); PubMed 26483233 (cited by Labcorp Genetics (formerly Invitae), Labcorp); PubMed 16281286 (cited by Natera, Inc.); PubMed 23430940 (cited by Women's Health and Genetics/Laboratory Corporation of America, LabCorp); PubMed 31622506 (cited by Women's Health and Genetics/Laboratory Corporation of America, LabCorp).